The following is an entry in ClinVar:

NM_020738.4(KIDINS220):c.3120G>A (p.Val1040=)

Gene: KIDINS220 (kinase D interacting substrate 220; minus strand). Cytogenetic location: 2p25.1.
Variant type: single nucleotide variant.
Coding change: c.3120G>A on transcript NM_020738.4 (MANE Select); coding-DNA position 3120, G replaced by A.
Protein change: p.Val1040=; no amino-acid change (valine 1040 retained).
Molecular consequence: synonymous variant. On other transcripts: non-coding transcript variant (2).
Genome position (GRCh38, 1-based): chr2:8,751,536, C>T on the plus strand (G>A on the coding strand, the complement: KIDINS220 is on the minus strand). VCF-style: chr2-8751536-C-T. GRCh37 (hg19) VCF-style: chr2-8891666-C-T.
Other names: c.3123G>A, p.Val1041= (NM_001348729.2, NM_001348731.2, NM_001348734.2 and 2 more transcripts); c.3120G>A, p.Val1040= (NM_001348732.2, NM_001348735.2, NM_001348738.2 and 3 more transcripts); c.2994G>A, p.Val998= (NM_001348736.2).
Identifiers: ClinVar variation 3350153 (VCV003350153.1).

ClinVar aggregate classification (germline): Likely benign (0 of 4 stars; one submission).

Conditions:
KIDINS220-related disorder. Also called: KIDINS220-related condition.

gnomAD v4.1: 6 of 1,613,578 alleles (0.00037%); highest among the groups gnomAD compares: Middle Eastern, 0.016%; no homozygotes.

Submission:

PreventionGenetics, part of Exact Sciences
Classification: Likely benign for KIDINS220-related condition. Last evaluated: 2023-12-18. Review status: no assertion criteria provided. Collection method: clinical testing. Allele origin: germline.
Comment: This variant is classified as likely benign based on ACMG/AMP sequence variant interpretation guidelines (Richards et al. 2015 PMID: 25741868, with internal and published modifications).